The following is an entry in ClinVar:

ClinVar aggregate classification (germline): Uncertain significance (1 of 4 stars; one submission).

Conditions:
Intellectual developmental disorder, X-linked, syndromic 14. Also called: Syndromic X-linked intellectual disability 14. Identifiers: Orphanet 776, MedGen C1970822, MONDO:0010398, OMIM 300676.

gnomAD v4.1: 1 of 1,210,006 alleles (0.000083%); no homozygotes.

Submission:

Labcorp Genetics (formerly Invitae), Labcorp
Classification: Uncertain significance for Intellectual developmental disorder, X-linked, syndromic 14. Last evaluated: 2025-05-05. Review status: criteria provided, single submitter. Criteria: Invitae Variant Classification Sherloc (09022015). Collection method: clinical testing. Allele origin: germline.
Comment: This sequence change replaces isoleucine, which is neutral and non-polar, with valine, which is neutral and non-polar, at codon 107 of the UPF3B protein (p.Ile107Val). This variant is not present in population databases (gnomAD no frequency). This variant has not been reported in the literature in individuals affected with UPF3B-related conditions. ClinVar contains an entry for this variant (Variation ID: 2868704). Invitae Evidence Modeling of protein sequence and biophysical properties (such as structural, functional, and spatial information, amino acid conservation, physicochemical variation, residue mobility, and thermodynamic stability) indicates that this missense variant is not expected to disrupt UPF3B protein function with a negative predictive value of 80%. In summary, the available evidence is currently insufficient to determine the role of this variant in disease. Therefore, it has been classified as a Variant of Uncertain Significance.

NM_080632.3(UPF3B):c.319A>G (p.Ile107Val)

Gene: UPF3B (UPF3B regulator of nonsense mediated mRNA decay; minus strand). Cytogenetic location: Xq24.
Variant type: single nucleotide variant.
Coding change: c.319A>G on transcript NM_080632.3 (MANE Select); coding-DNA position 319, A replaced by G.
Protein change: p.Ile107Val; replaces isoleucine 107 with valine.
Molecular consequence: missense variant.
Genome position (GRCh38, 1-based): chrX:119,851,546, T>C on the plus strand (A>G on the coding strand, the complement: UPF3B is on the minus strand). VCF-style: chrX-119851546-T-C. GRCh37 (hg19) VCF-style: chrX-118985509-T-C.
Other names: c.319A>G, p.Ile107Val (NM_023010.4); short protein forms I107V.
Identifiers: ClinVar variation 2868704 (VCV002868704.3), dbSNP rs2521573705, ClinGen allele CA414185319.
Genomic context (GRCh38, chrX:119,851,546, plus strand): 5'-AGGACTCACCTTTATTGTCAAGGAATACATAACCATCAAAGCGATCCCTGAACAAAATAA[T>C]GTCCTCTTGGTTTTTAAAGTTGATGTATGCTCTGGCATACATATGAGGATACAAACTGCA-3'
Protein context (NP_542199.1, residues 97-117): AYINFKNQED[Ile107Val]ILFRDRFDGY